The following is an entry in ClinVar:

ClinVar aggregate classification (germline): Uncertain significance (1 of 4 stars; one submission).

Allele frequency attached by ClinVar (database versions not stated): TOPMed below 0.00001; ExAC 0.00001; gnomAD exomes 0.00001.

Submission:

Labcorp Genetics (formerly Invitae), Labcorp
Classification: Uncertain significance. Last evaluated: 2023-10-09. Review status: criteria provided, single submitter. Criteria: Invitae Variant Classification Sherloc (09022015). Collection method: clinical testing. Allele origin: germline.
Comment: This sequence change replaces serine, which is neutral and polar, with asparagine, which is neutral and polar, at codon 608 of the ROR2 protein (p.Ser608Asn). This variant is present in population databases (rs760840603, gnomAD 0.0009%). This variant has not been reported in the literature in individuals affected with ROR2-related conditions. Advanced modeling of protein sequence and biophysical properties (such as structural, functional, and spatial information, amino acid conservation, physicochemical variation, residue mobility, and thermodynamic stability) performed at Invitae indicates that this missense variant is not expected to disrupt ROR2 protein function. In summary, the available evidence is currently insufficient to determine the role of this variant in disease. Therefore, it has been classified as a Variant of Uncertain Significance.

NM_004560.4(ROR2):c.1823G>A (p.Ser608Asn)

Gene: ROR2 (receptor tyrosine kinase like orphan receptor 2; minus strand). Cytogenetic location: 9q22.31.
Variant type: single nucleotide variant.
Coding change: c.1823G>A on transcript NM_004560.4 (MANE Select); coding-DNA position 1823, G replaced by A.
Protein change: p.Ser608Asn; replaces serine 608 with asparagine.
Molecular consequence: missense variant.
Genome position (GRCh38, 1-based): chr9:91,724,671, C>T on the plus strand (G>A on the coding strand, the complement: ROR2 is on the minus strand). VCF-style: chr9-91724671-C-T. GRCh37 (hg19) VCF-style: chr9-94486953-C-T.
Other names: short protein forms S608N.
Identifiers: ClinVar variation 2961117 (VCV002961117.3), dbSNP rs760840603, ClinGen allele CA5120551.